The following is an entry in ClinVar:

ClinVar aggregate classification (germline): Benign (1 of 4 stars; one submission).

Conditions:
White sponge nevus 1. Also called: LEUKOKERATOSIS, HEREDITARY MUCOSAL. Identifiers: MedGen C4011926, MONDO:0008676, OMIM 193900.

Allele frequency attached by ClinVar (database versions not stated): TOPMed 0.00006; gnomAD 0.00010; 1000 Genomes Project 30x 0.00312; 1000 Genomes Project 0.00359.
gnomAD v4.1: 1,329 of 1,614,176 alleles (0.082%); highest among the groups gnomAD compares: South Asian, 1.3%; 20 homozygotes.

Submission:

Illumina Laboratory Services, Illumina
Classification: Benign for White sponge nevus 1. Last evaluated: 2018-01-13. Review status: criteria provided, single submitter. Criteria: ICSL Variant Classification Criteria 13 December 2019. Collection method: clinical testing. Allele origin: germline.
Comment: This variant was observed in the ICSL laboratory as part of a predisposition screen in an ostensibly healthy population. It had not been previously curated by ICSL or reported in the Human Gene Mutation Database (HGMD: prior to June 1st, 2018), and was therefore a candidate for classification through an automated scoring system. Utilizing variant allele frequency, disease prevalence and penetrance estimates, and inheritance mode, an automated score was calculated to assess if this variant is too frequent to cause the disease. Based on the score and internal cut-off values, a variant classified as benign is not then subjected to further curation. The score for this variant resulted in a classification of benign for this disease.

NM_002272.4(KRT4):c.1419C>T (p.Ser473=)

Gene: KRT4 (keratin 4; minus strand). Cytogenetic location: 12q13.13.
Variant type: single nucleotide variant.
Coding change: c.1419C>T on transcript NM_002272.4 (MANE Select); coding-DNA position 1419, C replaced by T.
Protein change: p.Ser473=; no amino-acid change (serine 473 retained).
Molecular consequence: synonymous variant.
Genome position (GRCh38, 1-based): chr12:52,807,213, G>A on the plus strand (C>T on the coding strand, the complement: KRT4 is on the minus strand). VCF-style: chr12-52807213-G-A. GRCh37 (hg19) VCF-style: chr12-53200997-G-A.
Identifiers: ClinVar variation 309669 (VCV000309669.5), dbSNP rs534019513, ClinGen allele CA6588379.